The following is an entry in ClinVar:

ClinVar aggregate classification (germline): Uncertain significance (1 of 4 stars; one submission).

Submission:

Labcorp Genetics (formerly Invitae), Labcorp
Classification: Uncertain significance. Last evaluated: 2025-03-10. Review status: criteria provided, single submitter. Criteria: Invitae Variant Classification Sherloc (09022015). Collection method: clinical testing. Allele origin: germline.
Comment: This sequence change creates a premature translational stop signal (p.Phe239Valfs*11) in the ZNF408 gene. While this is not anticipated to result in nonsense mediated decay, it is expected to disrupt the last 482 amino acid(s) of the ZNF408 protein. This variant is not present in population databases (gnomAD no frequency). This variant has not been reported in the literature in individuals affected with ZNF408-related conditions. ClinVar contains an entry for this variant (Variation ID: 2117638). Experimental studies and prediction algorithms are not available or were not evaluated, and the functional significance of this variant is currently unknown. In summary, the available evidence is currently insufficient to determine the role of this variant in disease. Therefore, it has been classified as a Variant of Uncertain Significance.

NM_024741.3(ZNF408):c.713dup (p.Phe239fs)

Gene: ZNF408 (zinc finger protein 408; plus strand). Cytogenetic location: 11p11.2.
Variant type: Duplication.
Coding change: c.713dup on transcript NM_024741.3 (MANE Select); coding-DNA position 713, one base duplicated (A; older notation c.713dupA).
Protein change: p.Phe239fs; shifts the reading frame from phenylalanine 239.
Molecular consequence: frameshift variant.
Genome position (GRCh38, 1-based): chr11:46,704,413, A duplicated; the last of 2 consecutive A bases (chr11:46,704,412-46,704,413); duplicating either gives the same sequence. VCF-style (leftmost placement, unchanged base first): chr11-46704411-T-TA. GRCh37 (hg19) VCF-style: chr11-46725961-T-TA.
Other names: c.689dup, p.Phe231fs (NM_001184751.2); short protein forms F231fs, F239fs.
Identifiers: ClinVar variation 2117638 (VCV002117638.4), dbSNP rs2502792679, ClinGen allele CA2580084134.